The following is an entry in ClinVar:

NM_182961.4(SYNE1):c.26036A>G (p.Asp8679Gly)

Gene: SYNE1 (spectrin repeat containing nuclear envelope protein 1; minus strand). Cytogenetic location: 6q25.2.
Variant type: single nucleotide variant.
Coding change: c.26036A>G on transcript NM_182961.4 (MANE Select); coding-DNA position 26036, A replaced by G.
Protein change: p.Asp8679Gly; replaces aspartic acid 8679 with glycine.
Molecular consequence: missense variant.
Genome position (GRCh38, 1-based): chr6:152,132,180, T>C on the plus strand (A>G on the coding strand, the complement: SYNE1 is on the minus strand). VCF-style: chr6-152132180-T-C. GRCh37 (hg19) VCF-style: chr6-152453315-T-C.
Other names: c.2642A>G, p.Asp881Gly (NM_001347701.2); c.2570A>G, p.Asp857Gly (NM_001347702.2); c.25892A>G, p.Asp8631Gly (NM_033071.5); c.26036A>G (NM_182961.3); short protein forms D857G, D8631G, D8679G, D881G.
Identifiers: ClinVar variation 3777197 (VCV003777197.1).
Genomic context (GRCh38, chr6:152,132,180, plus strand): 5'-ACCGTTTTCTGTCTGTTTGGGGTGCTCCTTCCTGATGTGGGACTCACAGACCCTGAGGTG[T>C]CCAGTTCATCAGCAGAAGACCAGGAAGACAAATCCTATGTGGGAGAAAGATTCTTTTAAC-3'
Protein context (NP_892006.3, residues 8669-8689): LSSWSSADEL[Asp8679Gly]TSGSVSPTSG

ClinVar aggregate classification (germline): Uncertain significance (1 of 4 stars; one submission).

Conditions:
Emery-Dreifuss muscular dystrophy 4, autosomal dominant (EDMD4). Also called: EMERY-DREIFUSS MUSCULAR DYSTROPHY 4 WITH VARIABLE FEATURES. Identifiers: Orphanet 261, MedGen C2751807, MONDO:0013071, OMIM 612998.
Arthrogryposis multiplex congenita 3, myogenic type. Also called: ARTHROGRYPOSIS MULTIPLEX CONGENITA, MYOGENIC TYPE. Identifiers: MedGen C5193121, MONDO:0032778, OMIM 618484.
Autosomal recessive ataxia, Beauce type. Also called: SYNE1 Deficiency; Spinocerebellar ataxia, autosomal recessive 8; ATAXIA, RECESSIVE, OF BEAUCE; SYNE1-Related Autosomal Recessive Cerebellar Ataxia. Identifiers: Orphanet 88644, MedGen C1853116, MONDO:0012549, OMIM 610743.

gnomAD v4.1: 11 of 1,614,082 alleles (0.00068%); highest among the groups gnomAD compares: Non-Finnish European, 0.00093%; no homozygotes.

Submission:

University of Washington Department of Laboratory Medicine, University of Washington
Classification: Uncertain significance for Arthrogryposis multiplex congenita 3, myogenic type; Autosomal recessive ataxia, Beauce type; Emery-Dreifuss muscular dystrophy 4, autosomal dominant. Last evaluated: 2023-01-03. Review status: criteria provided, single submitter. Criteria: ACMG Guidelines, 2015. Collection method: clinical testing. Allele origin: unknown. Affected: yes.
Comment: The p.Asp8679Gly variant in the SYNE1 gene has not been previously reported in association with disease. This variant has been identified in 1/251494 chromosomes by the Genome Aggregation Database. In silico tools do not consistently predict if the p.Asp8679Gly variant impacts protein function; however, these predictions have not been tested directly. Using ACMG guidelines, this variant was classified as a variant of uncertain significance (ACMG evidence codes used: PM2_supporting).